The following is an entry in ClinVar:

ClinVar aggregate classification (germline): Uncertain significance. Review status: criteria provided, multiple submitters, no conflicts (2 of 4 stars). 2 submissions from 2 submitters: Uncertain significance (2). Last evaluated 2026-03-19.

Allele frequency attached by ClinVar (database versions not stated): gnomAD exomes below 0.00001.
gnomAD v4.1: 3 of 1,551,982 alleles (0.00019%); highest among the groups gnomAD compares: Non-Finnish European, 0.00026%; no homozygotes.

Submissions (2):

GeneDx
Classification: Uncertain significance. Last evaluated: 2026-03-19. Review status: criteria provided, single submitter. Criteria: GeneDx Variant Classification Process June 2021. Collection method: clinical testing. Allele origin: germline.
Comment: Not observed at significant frequency in large population cohorts (gnomAD); In silico analysis suggests that this missense variant does not alter protein structure/function; Has not been previously published as pathogenic or benign to our knowledge

Labcorp Genetics (formerly Invitae), Labcorp
Classification: Uncertain significance. Last evaluated: 2022-03-19. Review status: criteria provided, single submitter. Criteria: Invitae Variant Classification Sherloc (09022015). Collection method: clinical testing. Allele origin: germline.
Comment: This sequence change replaces glutamic acid, which is acidic and polar, with aspartic acid, which is acidic and polar, at codon 857 of the ZSWIM6 protein (p.Glu857Asp). This variant is not present in population databases (gnomAD no frequency). This variant has not been reported in the literature in individuals affected with ZSWIM6-related conditions. Algorithms developed to predict the effect of missense changes on protein structure and function (SIFT, PolyPhen-2, Align-GVGD) all suggest that this variant is likely to be tolerated. In summary, the available evidence is currently insufficient to determine the role of this variant in disease. Therefore, it has been classified as a Variant of Uncertain Significance.

NM_020928.2(ZSWIM6):c.2571A>C (p.Glu857Asp)

Gene: ZSWIM6 (zinc finger SWIM-type containing 6; plus strand). Cytogenetic location: 5q12.1.
Variant type: single nucleotide variant.
Coding change: c.2571A>C on transcript NM_020928.2 (MANE Select); coding-DNA position 2571, A replaced by C.
Protein change: p.Glu857Asp; replaces glutamic acid 857 with aspartic acid.
Molecular consequence: missense variant.
Genome position (GRCh38, 1-based): chr5:61,539,627, A>C. VCF-style: chr5-61539627-A-C. GRCh37 (hg19) VCF-style: chr5-60835454-A-C.
Other names: c.2571A>C (NM_020928.1); short protein forms E857D.
Identifiers: ClinVar variation 1347650 (VCV001347650.8), dbSNP rs2112290037, ClinGen allele CA359945649.